The following is an entry in ClinVar:

NM_000516.7(GNAS):c.314C>T (p.Thr105Ile)

Gene: GNAS (GNAS complex locus; plus strand). Cytogenetic location: 20q13.32.
Variant type: single nucleotide variant.
Coding change: c.314C>T on transcript NM_000516.7 (MANE Select); coding-DNA position 314, C replaced by T.
Protein change: p.Thr105Ile; replaces threonine 105 with isoleucine.
Molecular consequence: missense variant. On other transcripts: 3 prime UTR variant (2).
Genome position (GRCh38, 1-based): chr20:58,903,673, C>T. VCF-style: chr20-58903673-C-T. GRCh37 (hg19) VCF-style: chr20-57478728-C-T.
Other names: c.317C>T, p.Thr106Ile (NM_001077488.5); c.269C>T, p.Thr90Ile (NM_001077489.4); c.*175C>T (NM_001077490.3); c.137C>T, p.Thr46Ile (NM_001309840.2, NM_001309861.2); c.*220C>T (NM_016592.5); c.2243C>T, p.Thr748Ile (NM_080425.4); c.272C>T, p.Thr91Ile (NM_080426.4); c.314C>T (NM_000516.4); short protein forms T105I, T106I, T46I, T748I, T90I, T91I.
Identifiers: ClinVar variation 1338303 (VCV001338303.5), dbSNP rs767946220, ClinGen allele CA409450354.

ClinVar aggregate classification (germline): Likely pathogenic. Review status: criteria provided, multiple submitters, no conflicts (2 of 4 stars). 2 submissions from 2 submitters: Likely pathogenic (2). Last evaluated 2023-11-28.

Submissions (2):

GeneDx
Classification: Likely pathogenic. Last evaluated: 2023-11-28. Review status: criteria provided, single submitter. Criteria: GeneDx Variant Classification Process June 2021. Collection method: clinical testing. Allele origin: germline. Affected: yes.
Comment: Apparently de novo variant in a patient with pseudohypoparathyroidism type Ia in the published published literature (PMID: 29095814, 35296306); Not observed at significant frequency in large population cohorts (gnomAD); In silico analysis supports that this missense variant has a deleterious effect on protein structure/function; This variant is associated with the following publications: (PMID: 29095814, 35296306)

Genetic Services Laboratory, University of Chicago
Classification: Likely pathogenic. Last evaluated: 2017-09-21. Review status: criteria provided, single submitter. Criteria: ACMG Guidelines, 2015. Collection method: clinical testing. Allele origin: germline. Affected: yes.